The following is an entry in ClinVar:

NM_201384.3(PLEC):c.9050G>A (p.Arg3017Gln)

Gene: PLEC (plectin; minus strand). Cytogenetic location: 8q24.3.
Variant type: single nucleotide variant.
Coding change: c.9050G>A on transcript NM_201384.3 (MANE Select); coding-DNA position 9050, G replaced by A.
Protein change: p.Arg3017Gln; replaces arginine 3017 with glutamine.
Molecular consequence: missense variant.
Genome position (GRCh38, 1-based): chr8:143,920,771, C>T on the plus strand (G>A on the coding strand, the complement: PLEC is on the minus strand). VCF-style: chr8-143920771-C-T. GRCh37 (hg19) VCF-style: chr8-144994939-C-T.
Other names: c.9131G>A, p.Arg3044Gln (NM_000445.5); c.5750G>A, p.Arg1917Gln (NM_001410941.1); c.9008G>A, p.Arg3003Gln (NM_201378.4); c.8984G>A, p.Arg2995Gln (NM_201379.3); c.9461G>A, p.Arg3154Gln (NM_201380.4); c.8954G>A, p.Arg2985Gln (NM_201381.3); c.9050G>A, p.Arg3017Gln (NM_201382.4); c.9062G>A, p.Arg3021Gln (NM_201383.3); short protein forms R3017Q, R2985Q, R2995Q, R3021Q, R3154Q, R1917Q, R3003Q, R3044Q.
Identifiers: ClinVar variation 2173513 (VCV002173513.4), dbSNP rs782025276, ClinGen allele CA4925096.
Genomic context (GRCh38, chr8:143,920,771, plus strand): 5'-TTCTGCCCCGCCTCCTCCAGCCATACACCCGCGATGACGTTGGCACCCCGGAGAGCCCGC[C>T]GCACAGTGTCCACCTCGGCTACGTCTCGCACAGAGCGCTCACCTCGCTGCAGCTGCTGGT-3'
Protein context (NP_958786.1, residues 3007-3027): VRDVAEVDTV[Arg3017Gln]RALRGANVIA

ClinVar aggregate classification (germline): Uncertain significance (1 of 4 stars; one submission).

Conditions:
Epidermolysis bullosa simplex 5B, with muscular dystrophy (EBS5B). Also called: EPIDERMOLYSIS BULLOSA SIMPLEX AND LIMB-GIRDLE MUSCULAR DYSTROPHY; Epidermolysis bullosa simplex with muscular dystrophy. Identifiers: Orphanet 257, MedGen C2931072, MONDO:0009181, OMIM 226670.
Autosomal recessive limb-girdle muscular dystrophy type 2Q (LGMDR17). Also called: MUSCULAR DYSTROPHY, LIMB-GIRDLE, AUTOSOMAL RECESSIVE 17. Identifiers: Orphanet 254361, MedGen C3150989, MONDO:0013390, OMIM 613723.
Epidermolysis bullosa simplex, Ogna type (EBS5A). Also called: Pidermolysis bullosa simplex 5A, Ogna type; EPIDERMOLYSIS BULLOSA SIMPLEX 5A, OGNA TYPE. Identifiers: Orphanet 79401, MedGen C0432317, MONDO:0007555, OMIM 131950.
Epidermolysis bullosa simplex 5C, with pyloric atresia (EBS5C). Also called: PLEC-Related Epidermolysis Bullosa with Pyloric Atresia; Epidermolysis bullosa simplex with pyloric atresia; PLEC1-Related Epidermolysis Bullosa with Pyloric Atresia. Identifiers: Orphanet 158684, MedGen C2677349, MONDO:0012807, OMIM 612138.
Epidermolysis bullosa simplex with nail dystrophy (EBS5D). Identifiers: MedGen C4225309, MONDO:0014661, OMIM 616487.

Allele frequency attached by ClinVar (database versions not stated): ExAC 0.00001; gnomAD exomes 0.00003; TOPMed 0.00001; gnomAD 0.00003.
gnomAD v4.1: 52 of 1,606,498 alleles (0.0032%); highest among the groups gnomAD compares: East Asian, 0.025%; no homozygotes.

Submission:

Labcorp Genetics (formerly Invitae), Labcorp
Classification: Uncertain significance for Autosomal recessive limb-girdle muscular dystrophy type 2Q; Epidermolysis bullosa simplex, Ogna type; Epidermolysis bullosa simplex with nail dystrophy; Epidermolysis bullosa simplex 5C, with pyloric atresia; Epidermolysis bullosa simplex 5B, with muscular dystrophy. Last evaluated: 2023-12-02. Review status: criteria provided, single submitter. Criteria: Invitae Variant Classification Sherloc (09022015). Collection method: clinical testing. Allele origin: germline.
Comment: This sequence change replaces arginine, which is basic and polar, with glutamine, which is neutral and polar, at codon 3044 of the PLEC protein (p.Arg3044Gln). This variant is present in population databases (rs782025276, gnomAD 0.009%). This variant has not been reported in the literature in individuals affected with PLEC-related conditions. ClinVar contains an entry for this variant (Variation ID: 2173513). An algorithm developed to predict the effect of missense changes on protein structure and function (PolyPhen-2) suggests that this variant is likely to be tolerated. In summary, the available evidence is currently insufficient to determine the role of this variant in disease. Therefore, it has been classified as a Variant of Uncertain Significance.